The following is an entry in ClinVar:

ClinVar aggregate classification (germline): Uncertain significance (1 of 4 stars; one submission).

Conditions:
Galactosylceramide beta-galactosidase deficiency. Also called: Leukodystrophy, Globoid Cell; Krabbe Disease; GALACTOCEREBROSIDASE DEFICIENCY; GALC DEFICIENCY; GLOBOID CELL LEUKOENCEPHALOPATHY. Identifiers: Orphanet 487, MedGen C0023521, MONDO:0009499, OMIM 245200.

Submission:

Labcorp Genetics (formerly Invitae), Labcorp
Classification: Uncertain significance for Galactosylceramide beta-galactosidase deficiency. Last evaluated: 2023-11-27. Review status: criteria provided, single submitter. Criteria: Invitae Variant Classification Sherloc (09022015). Collection method: clinical testing. Allele origin: germline.
Comment: This sequence change replaces threonine, which is neutral and polar, with isoleucine, which is neutral and non-polar, at codon 302 of the GALC protein (p.Thr302Ile). This variant is not present in population databases (gnomAD no frequency). This variant has not been reported in the literature in individuals affected with GALC-related conditions. Advanced modeling of protein sequence and biophysical properties (such as structural, functional, and spatial information, amino acid conservation, physicochemical variation, residue mobility, and thermodynamic stability) performed at Invitae indicates that this missense variant is expected to disrupt GALC protein function with a positive predictive value of 95%. In summary, the available evidence is currently insufficient to determine the role of this variant in disease. Therefore, it has been classified as a Variant of Uncertain Significance.

NM_000153.4(GALC):c.905C>T (p.Thr302Ile)

Gene: GALC (galactosylceramidase; minus strand). Cytogenetic location: 14q31.3.
Variant type: single nucleotide variant.
Coding change: c.905C>T on transcript NM_000153.4 (MANE Select); coding-DNA position 905, C replaced by T.
Protein change: p.Thr302Ile; replaces threonine 302 with isoleucine.
Molecular consequence: missense variant. On other transcripts: non-coding transcript variant (1).
Genome position (GRCh38, 1-based): chr14:87,968,338, G>A on the plus strand (C>T on the coding strand, the complement: GALC is on the minus strand). VCF-style: chr14-87968338-G-A. GRCh37 (hg19) VCF-style: chr14-88434682-G-A.
Other names: c.836C>T, p.Thr279Ile (NM_001201401.2); c.827C>T, p.Thr276Ile (NM_001201402.2); c.737C>T, p.Thr246Ile (NM_001424071.1, NM_001424072.1, NM_001424073.1); c.557C>T, p.Thr186Ile (NM_001424074.1, NM_001424075.1); c.272C>T, p.Thr91Ile (NM_001424076.1, NM_001424077.1); short protein forms T186I, T276I, T91I, T246I, T279I, T302I.
Identifiers: ClinVar variation 2698709 (VCV002698709.3), dbSNP rs2503449380, ClinGen allele CA390747686.